The following is an entry in ClinVar:

NM_001048174.2(MUTYH):c.1456T>G (p.Ser486Ala)

Gene: MUTYH (mutY DNA glycosylase; minus strand). Cytogenetic location: 1p34.1.
Variant type: single nucleotide variant.
Coding change: c.1456T>G on transcript NM_001048174.2 (MANE Select); coding-DNA position 1456, T replaced by G.
Protein change: p.Ser486Ala; replaces serine 486 with alanine.
Molecular consequence: missense variant. On other transcripts: non-coding transcript variant (7).
Genome position (GRCh38, 1-based): chr1:45,329,416, A>C on the plus strand (T>G on the coding strand, the complement: MUTYH is on the minus strand). VCF-style: chr1-45329416-A-C. GRCh37 (hg19) VCF-style: chr1-45795088-A-C.
Other names: c.1456T>G, p.Ser486Ala (NM_001048171.2, NM_001048173.2, NM_001293195.2 and 6 more transcripts); c.1459T>G, p.Ser487Ala (NM_001048172.2, NM_001407071.1, NM_001407086.1 and 1 more transcripts); c.1540T>G, p.Ser514Ala (NM_001128425.2); c.1501T>G, p.Ser501Ala (NM_001293190.2); c.1489T>G, p.Ser497Ala (NM_001293191.2, NM_001407069.1, NM_001407077.1); c.1180T>G, p.Ser394Ala (NM_001293192.2, NM_001293196.2, NM_001407091.1); c.1111T>G, p.Ser371Ala (NM_001350650.2, NM_001350651.2, NM_001407082.1); c.1477T>G, p.Ser493Ala (NM_001407087.1); and 5 more; short protein forms S486A, S514A, S458A, S473A, S497A, S511A, S472A, S493A.
Identifiers: ClinVar variation 4112870 (VCV004112870.1).
Genomic context (GRCh38, chr1:45,329,416, plus strand): 5'-GAAAGAAATTATCCAGGACTTGCTGGCCCATGCGGGGCTTTTTCCGACTGCACGGAGAGG[A>C]CACCTGGGACCTTTTGGAACCCTGTGAAAAAATGGAAGGAGGGAGGCCTTGTAGTTGGGG-3'
Protein context (NP_001041639.1, residues 476-496): TCMGSKRSQV[Ser486Ala]SPCSRKKPRM

ClinVar aggregate classification (germline): Uncertain significance (1 of 4 stars; one submission).

Conditions:
Hereditary cancer-predisposing syndrome. Also called: Tumor predisposition; Neoplastic Syndromes, Hereditary; Hereditary neoplastic syndrome; Hereditary Cancer Syndrome. Identifiers: Orphanet 140162, MedGen C0027672, MeSH D009386, MONDO:0015356.

Submission:

Ambry Genetics
Classification: Uncertain significance for Hereditary cancer-predisposing syndrome. Last evaluated: 2025-08-27. Review status: criteria provided, single submitter. Criteria: Ambry Variant Classification Scheme 2023. Collection method: clinical testing. Allele origin: germline.
Comment: The p.S514A variant (also known as c.1540T>G), located in coding exon 16 of the MUTYH gene, results from a T to G substitution at nucleotide position 1540. The serine at codon 514 is replaced by alanine, an amino acid with similar properties. This amino acid position is conserved. In addition, this alteration is predicted to be tolerated by in silico analysis. Based on the available evidence, the clinical significance of this variant remains unclear.